The following is an entry in ClinVar:

ClinVar aggregate classification (germline): Likely pathogenic (1 of 4 stars; one submission).

Conditions:
Retinitis pigmentosa 28 (RP28). Identifiers: Orphanet 791, MedGen C1419614, MONDO:0011630, OMIM 606068.

gnomAD v4.1: 2 of 1,611,628 alleles (0.00012%); highest among the groups gnomAD compares: Non-Finnish European, 0.00017%; no homozygotes.

Submission:

Natera, Inc.
Classification: Likely pathogenic for Retinitis pigmentosa type 28. Last evaluated: 2025-02-16. Review status: criteria provided, single submitter. Criteria: Natera Variant Classification Schema (03/2026). Collection method: clinical testing. Allele origin: germline.
Comment: The c.1648C>T variant in FAM161A is a nonsense variant predicted to introduce a stop codon at amino acid 550. This variant is expected to result in nonsense mediated decay, truncation, or a dysfunctional protein product. This variant is rare in the general population with a frequency below the threshold expected for the associated phenotype(s). Given the available evidence, this variant is classified as Likely Pathogenic.

NM_001201543.2(FAM161A):c.1648C>T (p.Gln550Ter)

Gene: FAM161A (FAM161 centrosomal protein A; minus strand). Cytogenetic location: 2p15.
Variant type: single nucleotide variant.
Coding change: c.1648C>T on transcript NM_001201543.2 (MANE Select); coding-DNA position 1648, C replaced by T.
Protein change: p.Gln550Ter; replaces glutamine 550 with a stop codon.
Molecular consequence: nonsense. On other transcripts: intron variant (1).
Genome position (GRCh38, 1-based): chr2:61,838,641, G>A on the plus strand (C>T on the coding strand, the complement: FAM161A is on the minus strand). VCF-style: chr2-61838641-G-A. GRCh37 (hg19) VCF-style: chr2-62065776-G-A.
Other names: c.1583+780C>T (NM_032180.3); short protein forms Q550*.
Identifiers: ClinVar variation 4067916 (VCV004067916.2).